The following is an entry in ClinVar:

ClinVar aggregate classification (germline): Uncertain significance (1 of 4 stars; one submission).

Conditions:
Joubert syndrome. Also called: CEREBELLOPARENCHYMAL DISORDER IV; JOUBERT-BOLTSHAUSER SYNDROME; Familial aplasia of the vermis. Identifiers: Orphanet 475, MedGen C5979921, MONDO:0018772.

Submission:

Labcorp Genetics (formerly Invitae), Labcorp
Classification: Uncertain significance for Joubert syndrome. Last evaluated: 2025-06-12. Review status: criteria provided, single submitter. Criteria: Invitae Variant Classification Sherloc (09022015). Collection method: clinical testing. Allele origin: germline.
Comment: This sequence change replaces phenylalanine, which is neutral and non-polar, with serine, which is neutral and polar, at codon 257 of the INPP5E protein (p.Phe257Ser). This variant is not present in population databases (gnomAD no frequency). This variant has not been reported in the literature in individuals affected with INPP5E-related conditions. ClinVar contains an entry for this variant (Variation ID: 2004744). Invitae Evidence Modeling of protein sequence and biophysical properties (such as structural, functional, and spatial information, amino acid conservation, physicochemical variation, residue mobility, and thermodynamic stability) indicates that this missense variant is not expected to disrupt INPP5E protein function with a negative predictive value of 95%. In summary, the available evidence is currently insufficient to determine the role of this variant in disease. Therefore, it has been classified as a Variant of Uncertain Significance.

NM_019892.6(INPP5E):c.770T>C (p.Phe257Ser)

Gene: INPP5E (inositol polyphosphate-5-phosphatase E; minus strand). Cytogenetic location: 9q34.3.
Variant type: single nucleotide variant.
Coding change: c.770T>C on transcript NM_019892.6 (MANE Select); coding-DNA position 770, T replaced by C.
Protein change: p.Phe257Ser; replaces phenylalanine 257 with serine.
Molecular consequence: missense variant.
Genome position (GRCh38, 1-based): chr9:136,438,650, A>G on the plus strand (T>C on the coding strand, the complement: INPP5E is on the minus strand). VCF-style: chr9-136438650-A-G. GRCh37 (hg19) VCF-style: chr9-139333102-A-G.
Other names: c.770T>C, p.Phe257Ser (NM_001318502.2); short protein forms F257S.
Identifiers: ClinVar variation 2004744 (VCV002004744.4), dbSNP rs1446967849, ClinGen allele CA375567693.
Genomic context (GRCh38, chr9:136,438,650, plus strand): 5'-CCGCCAGGCCCTCCCTACCTGCTGCGGACGTCCTTGCTGCGGATGGGCGCCAGGAGGCTG[A>G]AGGAGGATTTGGCCGAGCGAAGGGAACAGTCGTCGCAGGCCAGGGGGCTCCGCGGCCGGC-3'
Protein context (NP_063945.2, residues 247-267): DCSLRSAKSS[Phe257Ser]SLLAPIRSKD